The following is an entry in ClinVar:

NM_001292034.3(TAB2):c.1355G>T (p.Arg452Leu)

Genes: TAB2 (TGF-beta activated kinase 1 (MAP3K7) binding protein 2; plus strand), LOC126859827 (BRD4-independent group 4 enhancer GRCh37_chr6:149699707-149700906; plus strand). Cytogenetic location: 6q25.1.
Variant type: single nucleotide variant.
Coding change: c.1355G>T on transcript NM_001292034.3 (MANE Select); coding-DNA position 1355, G replaced by T.
Protein change: p.Arg452Leu; replaces arginine 452 with leucine.
Molecular consequence: missense variant.
Genome position (GRCh38, 1-based): chr6:149,379,270, G>T. VCF-style: chr6-149379270-G-T. GRCh37 (hg19) VCF-style: chr6-149700406-G-T.
Other names: c.1259G>T, p.Arg420Leu (NM_001292035.3); c.1355G>T, p.Arg452Leu (NM_001369506.1, NM_015093.6); short protein forms R420L, R452L.
Identifiers: ClinVar variation 2971353 (VCV002971353.3), dbSNP rs566536534, ClinGen allele CA4041530.

ClinVar aggregate classification (germline): Uncertain significance (1 of 4 stars; one submission).

Allele frequency attached by ClinVar (database versions not stated): TOPMed 0.00001; gnomAD 0.00002; ExAC 0.00005; 1000 Genomes Project 30x 0.00016; 1000 Genomes Project 0.00020.
gnomAD v4.1: 5 of 1,614,110 alleles (0.00031%); highest among the groups gnomAD compares: East Asian, 0.0089%; no homozygotes.

Submission:

Labcorp Genetics (formerly Invitae), Labcorp
Classification: Uncertain significance. Last evaluated: 2023-08-28. Review status: criteria provided, single submitter. Criteria: Invitae Variant Classification Sherloc (09022015). Collection method: clinical testing. Allele origin: germline.
Comment: In summary, the available evidence is currently insufficient to determine the role of this variant in disease. Therefore, it has been classified as a Variant of Uncertain Significance. Advanced modeling of protein sequence and biophysical properties (such as structural, functional, and spatial information, amino acid conservation, physicochemical variation, residue mobility, and thermodynamic stability) has been performed at Invitae for this missense variant, however the output from this modeling did not meet the statistical confidence thresholds required to predict the impact of this variant on TAB2 protein function. This variant has not been reported in the literature in individuals affected with TAB2-related conditions. This variant is present in population databases (rs566536534, gnomAD 0.05%). This sequence change replaces arginine, which is basic and polar, with leucine, which is neutral and non-polar, at codon 452 of the TAB2 protein (p.Arg452Leu).